The following is an entry in ClinVar:

ClinVar aggregate classification (germline): Uncertain significance. Review status: reviewed by expert panel (3 of 4 stars). 3 submissions from 3 submitters: Uncertain significance (1). 2 of the submissions do not count toward it. Last evaluated 2024-07-25.

Conditions:
Hereditary thrombocytopenia and hematologic cancer predisposition syndrome. Identifiers: Orphanet 71290, MedGen CN281654, MONDO:0011071.
Inborn genetic diseases. Identifiers: MedGen C0950123, MeSH D030342.
Hereditary thrombocytopenia and hematological cancer predisposition syndrome associated with RUNX1. Also called: Familial Platelet Disorder with Propensity to Acute Myelogenous Leukemia; Familial thrombocytopenia with propensity to acute myelogenous leukemia; RUNX1 Familial Platelet Disorder with Associated Myeloid Malignancies; PLATELET DISORDER, ASPIRIN-LIKE. Identifiers: Orphanet 71290, MedGen C1832388, MeSH C563324, MONDO:0100083, OMIM 601399.

gnomAD v4.1: 1 of 1,583,044 alleles (0.000063%); highest among the groups gnomAD compares: Non-Finnish European, 0.000086%; no homozygotes.

Submissions (3):

ClinGen Myeloid Malignancy Variant Curation Expert Panel
Classification: Uncertain significance for Hereditary thrombocytopenia and hematologic cancer predisposition syndrome. Last evaluated: 2024-07-25. Review status: reviewed by expert panel. Criteria: ClinGen MyeloMalig ACMG Specifications v2. Collection method: curation. Allele origin: germline. Inheritance: Autosomal dominant inheritance.
Comment: NM_001754.5(RUNX1):c.968C>G (p.Thr323Arg) is a missense variant. This variant is absent from both gnomAD v2.1 and gnomAD v3.1.2 (PM2_supporting). This variant has not been reported in any proband meeting at least one of the RUNX1-phenotypic criteria. This missense variant has a REVEL score <0.50 (0.055) (BP4). In summary, this variant meets the criteria to be classified as a variant of uncertain significance. ACMG/AMP criteria applied, as specified by the Myeloid Malignancy Variant Curation Expert Panel for RUNX1: BP4, PM2_supporting.

Ambry Genetics
Classification: Uncertain significance for Inborn genetic diseases. Last evaluated: 2026-07-06. Review status: criteria provided, single submitter. Criteria: Ambry Variant Classification Scheme 2023. Collection method: clinical testing. Allele origin: germline. Not counted in ClinVar's aggregate classification.
Comment: The p.T323R variant (also known as c.968C>G) is located in coding exon 8 of the RUNX1 gene. The threonine at codon 323 is replaced by arginine, an amino acid with similar properties. This change occurs in the first base pair of coding exon 8. This amino acid position is conserved. In addition, this alteration is predicted to be tolerated by in silico analysis. Based on the available evidence, the clinical significance of this variant remains unclear.

Labcorp Genetics (formerly Invitae), Labcorp
Classification: Uncertain significance for Hereditary thrombocytopenia and hematological cancer predisposition syndrome associated with RUNX1. Last evaluated: 2023-07-17. Review status: criteria provided, single submitter. Criteria: Invitae Variant Classification Sherloc (09022015). Collection method: clinical testing. Allele origin: germline. Not counted in ClinVar's aggregate classification.
Comment: ClinVar contains an entry for this variant (Variation ID: 2076125). This variant has not been reported in the literature in individuals affected with RUNX1-related conditions. This variant is not present in population databases (gnomAD no frequency). This sequence change replaces threonine, which is neutral and polar, with arginine, which is basic and polar, at codon 323 of the RUNX1 protein (p.Thr323Arg). An algorithm developed to predict the effect of missense changes on protein structure and function (PolyPhen-2) suggests that this variant is likely to be tolerated. In summary, the available evidence is currently insufficient to determine the role of this variant in disease. Therefore, it has been classified as a Variant of Uncertain Significance.

NM_001754.5(RUNX1):c.968C>G (p.Thr323Arg)

Gene: RUNX1 (RUNX family transcription factor 1; minus strand). Cytogenetic location: 21q22.12.
Variant type: single nucleotide variant.
Coding change: c.968C>G on transcript NM_001754.5 (MANE Select); coding-DNA position 968, C replaced by G.
Protein change: p.Thr323Arg; replaces threonine 323 with arginine.
Molecular consequence: missense variant.
Genome position (GRCh38, 1-based): chr21:34,792,610, G>C on the plus strand (C>G on the coding strand, the complement: RUNX1 is on the minus strand). VCF-style: chr21-34792610-G-C. GRCh37 (hg19) VCF-style: chr21-36164907-G-C.
Other names: NM_001754.5(RUNX1):c.968C>G; p.Thr323Arg; c.887C>G, p.Thr296Arg (NM_001001890.3); short protein forms T323R, T296R.
Identifiers: ClinVar variation 2076125 (VCV002076125.6), dbSNP rs1039736738, ClinGen allele CA320251671.